The following is an entry in ClinVar:

NM_006393.3(NEBL):c.1228-103G>T

Gene: NEBL (nebulette; minus strand). Cytogenetic location: 10p12.31.
Variant type: single nucleotide variant.
Coding change: c.1228-103G>T on transcript NM_006393.3 (MANE Select); 103 bases into the intron before coding-DNA position 1228, G replaced by T.
Molecular consequence: intron variant.
Genome position (GRCh38, 1-based): chr10:20,840,952, C>A on the plus strand (G>T on the coding strand, the complement: NEBL is on the minus strand). VCF-style: chr10-20840952-C-A. GRCh37 (hg19) VCF-style: chr10-21129881-C-A.
Other names: c.250-28012G>T (NM_001377326.1, NM_001377327.1, NM_001377328.1); c.358-28012G>T (NM_213569.2, NM_001173484.2, NM_001377322.1); c.301-28012G>T (NM_001377324.1); c.292-28012G>T (NM_001377325.1); c.310-28012G>T (NM_001377323.1).
Identifiers: ClinVar variation 673054 (VCV000673054.1), dbSNP rs2281881, ClinGen allele CA15641939.

ClinVar aggregate classification (germline): Benign (1 of 4 stars; one submission).

Allele frequency attached by ClinVar (database versions not stated): gnomAD 0.21953 and 0.22689; TOPMed 0.22283; 1000 Genomes Project 30x 0.25484; 1000 Genomes Project 0.25839; gnomAD exomes 0.26979.
gnomAD v4.1: 191,031 of 732,662 alleles (26%); highest among the groups gnomAD compares: East Asian, 40%; 26,438 homozygotes.

Submission:

GeneDx
Classification: Benign. Last evaluated: 2018-06-15. Review status: criteria provided, single submitter. Criteria: GeneDx Variant Classification (06012015). Collection method: clinical testing. Allele origin: germline. Affected: yes.
Comment: This variant is considered likely benign or benign based on one or more of the following criteria: it is a conservative change, it occurs at a poorly conserved position in the protein, it is predicted to be benign by multiple in silico algorithms, and/or has population frequency not consistent with disease.